The following is an entry in ClinVar:

ClinVar aggregate classification (germline): Conflicting classifications of pathogenicity. Review status: criteria provided, conflicting classifications (1 of 4 stars). 4 submissions from 4 submitters: Uncertain significance (2); Likely benign (1). 1 of the submissions does not count toward it. Last evaluated 2023-06-01.

Conditions:
CCDC22-related disorder. Also called: CCDC22-related condition.
Ritscher-Schinzel syndrome 2. Identifiers: Orphanet 7, MedGen C4225419, MONDO:0010499, OMIM 300963.

Allele frequency attached by ClinVar (database versions not stated): gnomAD exomes 0.00001 and 0.00002; ExAC 0.00002; gnomAD 0.00004.
gnomAD v4.1: 26 of 1,195,608 alleles (0.0022%); highest among the groups gnomAD compares: Non-Finnish European, 0.0029%; no homozygotes.

Submissions (4):

Blueprint Genetics
Classification: Likely benign. Last evaluated: 2023-06-01. Review status: criteria provided, single submitter. Criteria: ACMG Guidelines, 2015. Collection method: clinical testing. Allele origin: germline.

Greenwood Genetic Center Diagnostic Laboratories, Greenwood Genetic Center
Classification: Uncertain significance for Ritscher-Schinzel syndrome 2. Last evaluated: 2021-07-06. Review status: criteria provided, single submitter. Criteria: ACMG Guidelines, 2015. Collection method: clinical testing. Allele origin: germline. Affected: yes.
Comment: PM2

Revvity Omics, Revvity
Classification: Uncertain significance for Ritscher-Schinzel syndrome 2. Last evaluated: 2021-01-11. Review status: criteria provided, single submitter. Criteria: ACMG Guidelines, 2015. Collection method: clinical testing. Allele origin: germline.

PreventionGenetics, part of Exact Sciences
Classification: Likely benign for CCDC22-related condition. Last evaluated: 2019-04-01. Review status: no assertion criteria provided. Collection method: clinical testing. Allele origin: germline. Not counted in ClinVar's aggregate classification.
Comment: This variant is classified as likely benign based on ACMG/AMP sequence variant interpretation guidelines (Richards et al. 2015 PMID: 25741868, with internal and published modifications).

NM_014008.5(CCDC22):c.1212+4G>T

Gene: CCDC22 (CCC complex scaffolding subunit CCDC22; plus strand). Cytogenetic location: Xp11.23.
Variant type: single nucleotide variant.
Coding change: c.1212+4G>T on transcript NM_014008.5 (MANE Select); 4 bases into the intron after coding-DNA position 1212, G replaced by T.
Molecular consequence: intron variant.
Genome position (GRCh38, 1-based): chrX:49,248,314, G>T. VCF-style: chrX-49248314-G-T. GRCh37 (hg19) VCF-style: chrX-49104775-G-T.
Other names: c.1212+4G>T (NM_014008.4).
Identifiers: ClinVar variation 1334483 (VCV001334483.9), dbSNP rs782736581, ClinGen allele CA10411434.
Genomic context (GRCh38, chrX:49,248,314, plus strand): 5'-AAGAGCCGCGCGGTGGAGCTGCTGCCCGATGGGACTGCCAACCTTGCCAAGCTGCAGGTG[G>T]GGTTGGGGCTGTAGCTGGGCGGAGAGGGGCAGGGTGGGGTGGGGTGGGGTTGGAGGGCCC-3'